The following is an entry in ClinVar:

ClinVar aggregate classification (germline): Likely benign. Review status: reviewed by expert panel (3 of 4 stars). 12 submissions from 12 submitters: Likely benign (1). 11 of the submissions do not count toward it. Last evaluated 2017-06-29.

Conditions:
BRCA2-related disorder. Also called: BRCA2-related condition; BRCA2-related disorders. Identifiers: MedGen CN239275.
Hereditary cancer-predisposing syndrome. Also called: Neoplastic Syndromes, Hereditary; Tumor predisposition; Hereditary Cancer Syndrome; Hereditary neoplastic syndrome. Identifiers: Orphanet 140162, MedGen C0027672, MeSH D009386, MONDO:0015356.
Hereditary breast ovarian cancer syndrome. Also called: Hereditary breast and ovarian cancer; Hereditary breast and ovarian cancer syndrome (HBOC); Breast and ovarian cancer; BRCA1- and BRCA2-Associated Hereditary Breast and Ovarian Cancer; Hereditary breast and/or ovarian cancer syndrome; Hereditary breast and ovarian cancer syndrome. Identifiers: Orphanet 145, MedGen C0677776, MeSH D061325, MONDO:0003582. Disease mechanism: loss of function.
Breast-ovarian cancer, familial, susceptibility to, 2 (BROVCA2). Also called: BRCA2 Hereditary Breast and Ovarian Cancer. Identifiers: Orphanet 145, MedGen C2675520, MONDO:0012933, OMIM 612555. Disease mechanism: loss of function.

Allele frequency attached by ClinVar (database versions not stated): TOPMed 0.00001.
gnomAD v4.1: 21 of 1,595,150 alleles (0.0013%); highest among the groups gnomAD compares: East Asian, 0.009%; no homozygotes.

Submissions (12):

Evidence-based Network for the Interpretation of Germline Mutant Alleles (ENIGMA)
Classification: Likely benign for Breast-ovarian cancer, familial, susceptibility to, 2. Last evaluated: 2017-06-29. Review status: reviewed by expert panel. Criteria: ENIGMA BRCA1/2 Classification Criteria (2017-06-29). Collection method: curation. Allele origin: germline.
Comment: Synonymous substitution variant, with low bioinformatic likelihood to result in a splicing aberration (Splicing prior probability 0.02).

Labcorp Genetics (formerly Invitae), Labcorp
Classification: Likely benign for Hereditary breast ovarian cancer syndrome. Last evaluated: 2026-01-06. Review status: criteria provided, single submitter. Criteria: Invitae Variant Classification Sherloc (09022015). Collection method: clinical testing. Allele origin: germline. Not counted in ClinVar's aggregate classification.

Mayo Clinic Laboratories, Mayo Clinic
Classification: Likely benign. Last evaluated: 2025-08-29. Review status: criteria provided, single submitter. Criteria: ACMG Guidelines, 2015. Collection method: clinical testing. Allele origin: germline. Observed: 1 variant allele. Not counted in ClinVar's aggregate classification.
Comment: BP1_strong

PreventionGenetics, part of Exact Sciences
Classification: Likely benign for BRCA2-related condition. Last evaluated: 2025-03-23. Review status: criteria provided, single submitter. Criteria: ACMG Guidelines, 2015. Collection method: clinical testing. Allele origin: germline. Not counted in ClinVar's aggregate classification.
Comment: This variant is classified as likely benign based on ACMG/AMP sequence variant interpretation guidelines (Richards et al. 2015 PMID: 25741868, with internal and published modifications).

ARUP Laboratories, Molecular Genetics and Genomics, ARUP Laboratories
Classification: Likely benign. Last evaluated: 2024-04-19. Review status: criteria provided, single submitter. Criteria: ARUP Molecular Germline Variant Investigation Process 2024. Collection method: clinical testing. Allele origin: germline. Not counted in ClinVar's aggregate classification.

All of Us Research Program, National Institutes of Health
Classification: Likely benign for Breast-ovarian cancer, familial, susceptibility to, 2. Last evaluated: 2023-08-23. Review status: criteria provided, single submitter. Criteria: ACMG Guidelines, 2015. Collection method: clinical testing. Allele origin: germline. Inheritance: Autosomal dominant inheritance. Observed: 1 variant allele, 1 heterozygote. Not counted in ClinVar's aggregate classification.
Comment: This study involves interpretation of variants in research participants for the purpose of population health screening. Participant phenotype was not available at the time of variant classification. Additional details can be found in publication PMID: 35346344, PMCID: PMC8962531

Women's Health and Genetics/Laboratory Corporation of America, LabCorp
Classification: Likely benign. Last evaluated: 2022-02-21. Review status: criteria provided, single submitter. Criteria: LabCorp Variant Classification Summary - May 2015. Collection method: clinical testing. Allele origin: germline. Not counted in ClinVar's aggregate classification.

GeneDx
Classification: Likely benign. Last evaluated: 2018-11-19. Review status: criteria provided, single submitter. Criteria: GeneDx Variant Classification Process June 2021. Collection method: clinical testing. Allele origin: germline. Affected: yes. Not counted in ClinVar's aggregate classification.
Comment: This variant is associated with the following publications: (PMID: 21120943)

Color Diagnostics, LLC DBA Color Health
Classification: Likely benign for Hereditary cancer-predisposing syndrome. Last evaluated: 2018-03-30. Review status: criteria provided, single submitter. Criteria: ACMG Guidelines, 2015. Collection method: clinical testing. Allele origin: germline. Not counted in ClinVar's aggregate classification.

Ambry Genetics
Classification: Likely benign for Hereditary cancer-predisposing syndrome. Last evaluated: 2015-01-20. Review status: criteria provided, single submitter. Criteria: Ambry Variant Classification Scheme 2023. Collection method: clinical testing. Allele origin: germline. Not counted in ClinVar's aggregate classification.

Joint Genome Diagnostic Labs from Nijmegen and Maastricht, Radboudumc and MUMC+
Classification: Likely benign. Review status: no assertion criteria provided. Collection method: clinical testing. Allele origin: germline. Affected: yes. Study: VKGL Data-share Consensus. Not counted in ClinVar's aggregate classification.

Laboratory of Diagnostic Genome Analysis, Leiden University Medical Center (LUMC)
Classification: Likely benign. Review status: no assertion criteria provided. Collection method: clinical testing. Allele origin: germline. Affected: yes. Study: VKGL Data-share Consensus. Not counted in ClinVar's aggregate classification.

NM_000059.4(BRCA2):c.4242G>A (p.Thr1414=)

Gene: BRCA2 (BRCA2 DNA repair associated; plus strand). Cytogenetic location: 13q13.1.
Variant type: single nucleotide variant.
Coding change: c.4242G>A on transcript NM_000059.4 (MANE Select); coding-DNA position 4242, G replaced by A.
Protein change: p.Thr1414=; no amino-acid change (threonine 1414 retained).
Molecular consequence: synonymous variant.
Genome position (GRCh38, 1-based): chr13:32,338,597, G>A. VCF-style: chr13-32338597-G-A. GRCh37 (hg19) VCF-style: chr13-32912734-G-A.
Other names: p.Thr1414=.
Identifiers: ClinVar variation 229737 (VCV000229737.73), dbSNP rs750495335, ClinGen allele CA10579605.